The following is an entry in ClinVar:

NM_015466.4(PTPN23):c.494A>G (p.Tyr165Cys)

Gene: PTPN23 (protein tyrosine phosphatase non-receptor type 23; plus strand). Cytogenetic location: 3p21.31.
Variant type: single nucleotide variant.
Coding change: c.494A>G on transcript NM_015466.4 (MANE Select); coding-DNA position 494, A replaced by G.
Protein change: p.Tyr165Cys; replaces tyrosine 165 with cysteine.
Molecular consequence: missense variant.
Genome position (GRCh38, 1-based): chr3:47,405,994, A>G. VCF-style: chr3-47405994-A-G. GRCh37 (hg19) VCF-style: chr3-47447484-A-G.
Other names: c.116A>G, p.Tyr39Cys (NM_001304482.2); short protein forms Y165C, Y39C.
Identifiers: ClinVar variation 2105506 (VCV002105506.4), dbSNP rs2546239038, ClinGen allele CA352543330.
Genomic context (GRCh38, chr3:47,405,994, plus strand): 5'-CCCATTTCCAGTGCGCAGCCGGCGCCTTCGCCTACCTACGGGAGCACTTCCCTCAAGCCT[A>G]CAGCGTCGACATGAGCCGCCAGATCCTTACGCTCAACGTCAACCTCATGCTGGTGAGGAG-3'
Protein context (NP_056281.1, residues 155-175): AYLREHFPQA[Tyr165Cys]SVDMSRQILT

ClinVar aggregate classification (germline): Uncertain significance (1 of 4 stars; one submission).

Submission:

Labcorp Genetics (formerly Invitae), Labcorp
Classification: Uncertain significance. Last evaluated: 2022-03-01. Review status: criteria provided, single submitter. Criteria: Invitae Variant Classification Sherloc (09022015). Collection method: clinical testing. Allele origin: germline.
Comment: This variant has not been reported in the literature in individuals affected with PTPN23-related conditions. This variant is not present in population databases (gnomAD no frequency). Algorithms developed to predict the effect of missense changes on protein structure and function are either unavailable or do not agree on the potential impact of this missense change (SIFT: "Tolerated"; PolyPhen-2: "Not Available"; Align-GVGD: "Class C15"). In summary, the available evidence is currently insufficient to determine the role of this variant in disease. Therefore, it has been classified as a Variant of Uncertain Significance. This sequence change replaces tyrosine, which is neutral and polar, with cysteine, which is neutral and slightly polar, at codon 165 of the PTPN23 protein (p.Tyr165Cys).